The following is an entry in ClinVar:

NM_170784.3(MKKS):c.659T>C (p.Ile220Thr)

Gene: MKKS (MKKS centrosomal shuttling protein; minus strand). Cytogenetic location: 20p12.2.
Variant type: single nucleotide variant.
Coding change: c.659T>C on transcript NM_170784.3 (MANE Select); coding-DNA position 659, T replaced by C.
Protein change: p.Ile220Thr; replaces isoleucine 220 with threonine.
Molecular consequence: missense variant.
Genome position (GRCh38, 1-based): chr20:10,412,856, A>G on the plus strand (T>C on the coding strand, the complement: MKKS is on the minus strand). VCF-style: chr20-10412856-A-G. GRCh37 (hg19) VCF-style: chr20-10393504-A-G.
Other names: c.659T>C, p.Ile220Thr (NM_018848.3); short protein forms I220T.
Identifiers: ClinVar variation 2075476 (VCV002075476.7), dbSNP rs752587935, ClinGen allele CA9763646.
Genomic context (GRCh38, chr20:10,412,856, plus strand): 5'-TTGAGGGCAGTTGATTTTTTGATAGGTAATAGCCTCATTAATTGAACTTCTGACATTTCA[A>G]TGAGTATCCCAGGTAATACAGTGGAATCTATAACTCTTTGACCTTTTAAAGGTACAATTA-3'
Protein context (NP_740754.1, residues 210-230): IDSTVLPGIL[Ile220Thr]EMSEVQLMRL

ClinVar aggregate classification (germline): Uncertain significance. Review status: criteria provided, multiple submitters, no conflicts (2 of 4 stars). 3 submissions from 3 submitters: Uncertain significance (3). Last evaluated 2025-09-05.

Conditions:
MKKS-related disorder. Also called: MKKS-related disorders; MKKS-related condition.
Bardet-Biedl syndrome (BBS). Identifiers: Orphanet 110, MedGen C0752166, MONDO:0015229.
McKusick-Kaufman syndrome (MKKS). Also called: HYDROMETROCOLPOS SYNDROME; HYDROMETROCOLPOS, POSTAXIAL POLYDACTYLY, AND CONGENITAL HEART MALFORMATION. Identifiers: Orphanet 2473, MedGen C0948368, MONDO:0009367, OMIM 236700.

Allele frequency attached by ClinVar (database versions not stated): gnomAD exomes below 0.00001; ExAC 0.00001; TOPMed 0.00001; gnomAD 0.00002.
gnomAD v4.1: 5 of 1,614,084 alleles (0.00031%); highest among the groups gnomAD compares: African/African-American, 0.004%; no homozygotes.

Submissions (3):

GeneDx
Classification: Uncertain significance. Last evaluated: 2025-09-05. Review status: criteria provided, single submitter. Criteria: GeneDx Variant Classification Process June 2021. Collection method: clinical testing. Allele origin: germline.
Comment: In silico analysis supports that this missense variant has a deleterious effect on protein structure/function; Has not been previously published as pathogenic or benign to our knowledge

Labcorp Genetics (formerly Invitae), Labcorp
Classification: Uncertain significance for McKusick-Kaufman syndrome; Bardet-Biedl syndrome. Last evaluated: 2025-06-12. Review status: criteria provided, single submitter. Criteria: Invitae Variant Classification Sherloc (09022015). Collection method: clinical testing. Allele origin: germline.
Comment: This sequence change replaces isoleucine, which is neutral and non-polar, with threonine, which is neutral and polar, at codon 220 of the MKKS protein (p.Ile220Thr). This variant is present in population databases (rs752587935, gnomAD 0.01%). This variant has not been reported in the literature in individuals affected with MKKS-related conditions. ClinVar contains an entry for this variant (Variation ID: 2075476). Invitae Evidence Modeling of protein sequence and biophysical properties (such as structural, functional, and spatial information, amino acid conservation, physicochemical variation, residue mobility, and thermodynamic stability) indicates that this missense variant is expected to disrupt MKKS protein function with a positive predictive value of 95%. In summary, the available evidence is currently insufficient to determine the role of this variant in disease. Therefore, it has been classified as a Variant of Uncertain Significance.

PreventionGenetics, part of Exact Sciences
Classification: Uncertain significance for MKKS-related condition. Last evaluated: 2025-05-22. Review status: criteria provided, single submitter. Criteria: ACMG Guidelines, 2015. Collection method: clinical testing. Allele origin: germline.
Comment: The MKKS c.659T>C variant is predicted to result in the amino acid substitution p.Ile220Thr. To our knowledge, this variant has not been reported in the literature. This variant is reported in 0.012% of alleles in individuals of African descent in gnomAD. At this time, the clinical significance of this variant is uncertain due to the absence of conclusive functional and genetic evidence.